The following is an entry in ClinVar:

NM_001080453.3(INTS1):c.1524C>T (p.His508=)

Gene: INTS1 (integrator complex subunit 1; minus strand). Cytogenetic location: 7p22.3.
Variant type: single nucleotide variant.
Coding change: c.1524C>T on transcript NM_001080453.3 (MANE Select); coding-DNA position 1524, C replaced by T.
Protein change: p.His508=; no amino-acid change (histidine 508 retained).
Molecular consequence: synonymous variant.
Genome position (GRCh38, 1-based): chr7:1,497,216, G>A on the plus strand (C>T on the coding strand, the complement: INTS1 is on the minus strand). VCF-style: chr7-1497216-G-A. GRCh37 (hg19) VCF-style: chr7-1536852-G-A.
Identifiers: ClinVar variation 2657211 (VCV002657211.25), dbSNP rs200632106, ClinGen allele CA4120285.
Genomic context (GRCh38, chr7:1,497,216, plus strand): 5'-GTACTGCGGCTCCTTGCGCTCCTGCATGAGCCCCAGGCAGAAGGCCTGGAAGTTGATCTC[G>A]TGCTTGGTCTGCTTGATGATCTCCCGCAGCAGGGCCCGCGAGGCCCGCAGGTAGTCGTCC-3'
Protein context (NP_001073922.2, residues 498-518): LLREIIKQTK[His508=]EINFQAFCLG

ClinVar aggregate classification (germline): Likely benign. Review status: criteria provided, multiple submitters, no conflicts (2 of 4 stars). 2 submissions from 2 submitters: Likely benign (2). Last evaluated 2024-12-01.

Allele frequency attached by ClinVar (database versions not stated): 1000 Genomes Project 30x 0.00062; ESP Exome Variant Server 0.00072; 1000 Genomes Project 0.00080; gnomAD 0.00086; TOPMed 0.00089; ExAC 0.00100.
gnomAD v4.1: 1,630 of 1,613,042 alleles (0.1%); highest among the groups gnomAD compares: Middle Eastern, 1.2%; 7 homozygotes.

Submissions (2):

CeGaT Center for Human Genetics Tuebingen
Classification: Likely benign. Last evaluated: 2024-12-01. Review status: criteria provided, single submitter. Criteria: CeGaT Center For Human Genetics Tuebingen Variant Classification Criteria Version 2. Collection method: clinical testing. Allele origin: germline. Affected: yes. Observed: 3 variant alleles.
Comment: INTS1: BP4, BP7

Blueprint Genetics
Classification: Likely benign. Last evaluated: 2024-11-21. Review status: criteria provided, single submitter. Criteria: ACMG Guidelines, 2015. Collection method: clinical testing. Allele origin: germline.